The following is an entry in ClinVar:

ClinVar aggregate classification (germline): Benign. Review status: criteria provided, multiple submitters, no conflicts (2 of 4 stars). 2 submissions from 2 submitters: Benign (2). Last evaluated 2018-06-18.

Allele frequency attached by ClinVar (database versions not stated): gnomAD exomes 0.13964; ExAC 0.14094; ESP Exome Variant Server 0.15103; gnomAD 0.15403 and 0.15529; TOPMed 0.16187; 1000 Genomes Project 30x 0.19988; 1000 Genomes Project 0.20008.
gnomAD v4.1: 188,642 of 1,557,080 alleles (12%); highest among the groups gnomAD compares: African/African-American, 25%; 12,901 homozygotes.

Submissions (2):

GeneDx
Classification: Benign. Last evaluated: 2018-06-18. Review status: criteria provided, single submitter. Criteria: GeneDx Variant Classification (06012015). Collection method: clinical testing. Allele origin: germline. Affected: yes.
Comment: This variant is considered likely benign or benign based on one or more of the following criteria: it is a conservative change, it occurs at a poorly conserved position in the protein, it is predicted to be benign by multiple in silico algorithms, and/or has population frequency not consistent with disease.

Breakthrough Genomics
Classification: Benign. Review status: criteria provided, single submitter. Criteria: ACMG Guidelines, 2015. Collection method: not provided. Allele origin: germline. Inheritance: Autosomal dominant inheritance. Affected: yes.

NM_001376.5(DYNC1H1):c.345-49T>C

Gene: DYNC1H1 (dynein cytoplasmic 1 heavy chain 1; plus strand). Cytogenetic location: 14q32.31.
Variant type: single nucleotide variant.
Coding change: c.345-49T>C on transcript NM_001376.5 (MANE Select); 49 bases into the intron before coding-DNA position 345, T replaced by C.
Molecular consequence: intron variant.
Genome position (GRCh38, 1-based): chr14:101,979,270, T>C. VCF-style: chr14-101979270-T-C. GRCh37 (hg19) VCF-style: chr14-102445607-T-C.
Identifiers: ClinVar variation 674073 (VCV000674073.2), dbSNP rs2273438, ClinGen allele CA7351504.
Genomic context (GRCh38, chr14:101,979,270, plus strand): 5'-TTCACTATTAGAAAAGCAACACTTCAGTATATTCTTGTATGATTTTTAAATTAATAAGCC[T>C]AATTAGGAGTGTAACTTTTCTAATTTCTTGTTTTATTTTTCTTTTTAGCTTGGCATTCAT-3'